The following is an entry in ClinVar:

NM_001330260.2(SCN8A):c.4754G>A (p.Trp1585Ter)

Gene: SCN8A (sodium voltage-gated channel alpha subunit 8; plus strand). Cytogenetic location: 12q13.13.
Variant type: single nucleotide variant.
Coding change: c.4754G>A on transcript NM_001330260.2 (MANE Select); coding-DNA position 4754, G replaced by A.
Protein change: p.Trp1585Ter; replaces tryptophan 1585 with a stop codon.
Molecular consequence: nonsense.
Genome position (GRCh38, 1-based): chr12:51,794,600, G>A. VCF-style: chr12-51794600-G-A. GRCh37 (hg19) VCF-style: chr12-52188384-G-A.
Other names: c.4754G>A (NM_014191.3); c.4631G>A, p.Trp1544Ter (NM_001177984.3, NM_001369788.1); c.4754G>A, p.Trp1585Ter (NM_014191.4); short protein forms W1585*, W1544*.
Identifiers: ClinVar variation 521907 (VCV000521907.5), dbSNP rs1555229543, ClinGen allele CA384879292.
Genomic context (GRCh38, chr12:51,794,600, plus strand): 5'-TCACCTGTGAGTGTGTGCTCAAAATGTTTGCGTTGAGGCACTACTACTTCACCATTGGCT[G>A]GAACATCTTCGACTTCGTGGTAGTCATCCTCTCCATTGTGGGTGAGTGGGGTTGGGGAAG-3'

ClinVar aggregate classification (germline): Likely pathogenic. Review status: criteria provided, multiple submitters, no conflicts (2 of 4 stars). 2 submissions from 2 submitters: Likely pathogenic (2). Last evaluated 2025-06-04.

Conditions:
Inborn genetic diseases. Identifiers: MedGen C0950123, MeSH D030342.

Allele frequency attached by ClinVar (database versions not stated): gnomAD exomes below 0.00001.
gnomAD v4.1: 1 of 1,613,996 alleles (0.000062%); highest among the groups gnomAD compares: Non-Finnish European, 0.000085%; no homozygotes.

Submissions (2):

GeneDx
Classification: Likely pathogenic. Last evaluated: 2025-06-04. Review status: criteria provided, single submitter. Criteria: GeneDx Variant Classification Process June 2021. Collection method: clinical testing. Allele origin: germline. Affected: yes.
Comment: Nonsense variant predicted to result in protein truncation, as the last 396 amino acid(s) are lost, and other loss-of-function variants have been reported downstream in HGMD; Not observed at significant frequency in large population cohorts (gnomAD); Has not been previously published as pathogenic or benign to our knowledge

Ambry Genetics
Classification: Likely pathogenic for Inborn genetic diseases. Last evaluated: 2023-10-13. Review status: criteria provided, single submitter. Criteria: Ambry Variant Classification Scheme 2023. Collection method: clinical testing. Allele origin: germline.
Comment: The c.4754G>A (p.W1585*) alteration, located in exon 26 (coding exon 25) of the SCN8A gene, consists of a G to A substitution at nucleotide position 4754. This changes the amino acid from a tryptophan (W) to a stop codon at amino acid position 1585. This alteration occurs at the 3' terminus of the SCN8A gene, is not expected to trigger nonsense-mediated mRNA decay, and impacts the last 20% of the protein. However, premature stop codons are typically deleterious in nature, the impacted region is critical for protein function, and a significant portion of the protein is affected (Ambry internal data). _x000D_ _x000D_ for SCN8A-related neurodevelopmental disorder; however, its clinical significance for SCN8A-related seizure disorders is uncertain. This variant was not reported in population-based cohorts in the Genome Aggregation Database (gnomAD). Based on the available evidence, this alteration is classified as likely pathogenic.